The following is an entry in ClinVar:

ClinVar aggregate classification (germline): Uncertain significance (1 of 4 stars; one submission).

Conditions:
Cohen syndrome (COH1). Also called: PEPPER SYNDROME; Cutis verticis gyrata, retinitis pigmentosa, and sensorineural deafness. Identifiers: Orphanet 193, MedGen C0265223, MONDO:0008999, OMIM 216550.

Allele frequency attached by ClinVar (database versions not stated): gnomAD 0.00001; gnomAD exomes 0.00001; TOPMed 0.00001.
gnomAD v4.1: 8 of 1,613,888 alleles (0.0005%); highest among the groups gnomAD compares: Non-Finnish European, 0.00068%; no homozygotes.

Submission:

Labcorp Genetics (formerly Invitae), Labcorp
Classification: Uncertain significance for Cohen syndrome. Last evaluated: 2022-02-08. Review status: criteria provided, single submitter. Criteria: Invitae Variant Classification Sherloc (09022015). Collection method: clinical testing. Allele origin: germline.
Comment: In summary, the available evidence is currently insufficient to determine the role of this variant in disease. Therefore, it has been classified as a Variant of Uncertain Significance. Algorithms developed to predict the effect of missense changes on protein structure and function are either unavailable or do not agree on the potential impact of this missense change (SIFT: "Not Available"; PolyPhen-2: "Probably Damaging"; Align-GVGD: "Not Available"). This variant has not been reported in the literature in individuals affected with VPS13B-related conditions. This variant is not present in population databases (gnomAD no frequency). This sequence change replaces tyrosine, which is neutral and polar, with asparagine, which is neutral and polar, at codon 1104 of the VPS13B protein (p.Tyr1104Asn).

NM_152564.5(VPS13B):c.3310T>A (p.Tyr1104Asn)

Gene: VPS13B (vacuolar protein sorting 13 homolog B; plus strand). Cytogenetic location: 8q22.2.
Variant type: single nucleotide variant.
Coding change: c.3310T>A on transcript NM_152564.5 (MANE Select); coding-DNA position 3310, T replaced by A.
Protein change: p.Tyr1104Asn; replaces tyrosine 1104 with asparagine.
Molecular consequence: missense variant.
Genome position (GRCh38, 1-based): chr8:99,442,500, T>A. VCF-style: chr8-99442500-T-A. GRCh37 (hg19) VCF-style: chr8-100454728-T-A.
Other names: c.3310T>A, p.Tyr1104Asn (NM_017890.5); short protein forms Y1104N.
Identifiers: ClinVar variation 1419376 (VCV001419376.6), dbSNP rs1251521388, ClinGen allele CA371870658.
Genomic context (GRCh38, chr8:99,442,500, plus strand): 5'-AGCCTGCCTTCCCCAAGTACAATTGTATCTGGTGACATTCCTGGAACAGTAAGAAGTTGG[T>A]ACCATGGACAAACCAGCATGCCGGGAACACTTGTCCTCTGTTTGCCTCAAATAAAGATTA-3'
Protein context (NP_689777.3, residues 1094-1114): GDIPGTVRSW[Tyr1104Asn]HGQTSMPGTL